The following is an entry in ClinVar:

ClinVar aggregate classification (germline): Pathogenic (1 of 4 stars; one submission).

Conditions:
Fanconi anemia (FA). Also called: Fanconi's anemia. Identifiers: Orphanet 84, MedGen C0015625, MeSH D005199, MONDO:0019391.

Submission:

Labcorp Genetics (formerly Invitae), Labcorp
Classification: Pathogenic for Fanconi anemia. Last evaluated: 2024-02-11. Review status: criteria provided, single submitter. Criteria: Invitae Variant Classification Sherloc (09022015). Collection method: clinical testing. Allele origin: germline.
Comment: This sequence change inserts a large fragment of DNA, likely a transposable element, in exon 17 of the FANCI gene (c.1655_1656ins?), causing a frameshift at codon 552 (p.Ser552fs). The exact size and sequence of the insertion cannot be determined by the current assay. However, the insertion is expected to result in an absent or disrupted protein product. This variant is not present in population databases (gnomAD no frequency). This variant has not been reported in the literature in individuals affected with FANCI-related conditions. ClinVar contains an entry for this variant (Variation ID: 1370524). Algorithms developed to predict the effect of sequence changes on RNA splicing suggest that this variant may disrupt the consensus splice site. Retrotransposon insertions including LINE1 (L1), Alu, and SVA (SINE-VNTR-Alu) have been reported to be disease-causing through disruption of either a coding region or splice site (PMID: 19763152, 20307669, 22406018) and loss-of-function variants in FANCI are known to be pathogenic (PMID: 17452773, 17460694). For these reasons, this variant has been classified as Pathogenic.

Literature cited by the submitters: PubMed 19763152; PubMed 20307669; PubMed 22406018; PubMed 17452773; PubMed 17460694.

NM_001113378.2(FANCI):c.1655_1656insGCCGGGCGCGGTGGCTCACGCCTGTAATCCCAGCACTTTGGGAGGCCGAGGCGGGCGGATCACGAGGTCAGGAGATCGAGACCATCCTGGCTAACACGGTGAAACNNNNNNNNNNAAAAAAAAAAAAAAAAAAAAAAAGTTTTAGGCAG (p.Ser552delinsArgProGlyAlaValAlaHisAlaCysAsnProSerThrLeuGlyGlyArgGlyGlyArgIleThrArgSerGlyAspArgAspHisProGlyTer)

Gene: FANCI (FA complementation group I; plus strand). Cytogenetic location: 15q26.1.
Variant type: Insertion.
Coding change: c.1655_1656insGCCGGGCGCGGTGGCTCACGCCTGTAATCCCAGCACTTTGGGAGGCCGAGGCGGGCGGATCACGAGGTCAGGAGATCGAGACCATCCTGGCTAACACGGTGAAACNNNNNNNNNNAAAAAAAAAAAAAAAAAAAAAAAGTTTTAGGCAG on transcript NM_001113378.2 (MANE Select); coding-DNA positions 1655 to 1656, GCCGGGCGCGGTGGCTCACGCCTGTAATCCCAGCACTTTGGGAGGCCGAGGCGGGCGGATCACGAGGTCAGGAGATCGAGACCATCCTGGCTAACACGGTGAAACNNNNNNNNNNAAAAAAAAAAAAAAAAAAAAAAAGTTTTAGGCAG inserted.
Protein change: p.Ser552delinsArgProGlyAlaValAlaHisAlaCysAsnProSerThrLeuGlyGlyArgGlyGlyArgIleThrArgSerGlyAspArgAspHisProGlyTer.
Molecular consequence: nonsense.
Genome position: GRCh38: chr15:89,283,207-89,283,208. GRCh37 (hg19): chr15:89,826,438-89,826,439.
Other names: c.1376_1377insGCCGGGCGCGGTGGCTCACGCCTGTAATCCCAGCACTTTGGGAGGCCGAGGCGGGCGGATCACGAGGTCAGGAGATCGAGACCATCCTGGCTAACACGGTGAAACNNNNNNNNNNAAAAAAAAAAAAAAAAAAAAAAAGTTTTAGGCAG, p.Ser459delinsArgProGlyAlaValAlaHisAlaCysAsnProSerThrLeuGlyGlyArgGlyGlyArgIleThrArgSerGlyAspArgAspHisProGlyTer (NM_001376910.1); c.1655_1656insGCCGGGCGCGGTGGCTCACGCCTGTAATCCCAGCACTTTGGGAGGCCGAGGCGGGCGGATCACGAGGTCAGGAGATCGAGACCATCCTGGCTAACACGGTGAAACNNNNNNNNNNAAAAAAAAAAAAAAAAAAAAAAAGTTTTAGGCAG, p.Ser552delinsArgProGlyAlaValAlaHisAlaCysAsnProSerThrLeuGlyGlyArgGlyGlyArgIleThrArgSerGlyAspArgAspHisProGlyTer (NM_001376911.1, NM_018193.3).
Identifiers: ClinVar variation 1370524 (VCV001370524.6), dbSNP rs2151580463.